The following is an entry in ClinVar:

NM_016580.4(PCDH12):c.782C>T (p.Thr261Met)

Genes: PCDH12 (protocadherin 12; minus strand), RNF14 (ring finger protein 14; plus strand). Cytogenetic location: 5q31.3.
Variant type: single nucleotide variant.
Coding change: c.782C>T on transcript NM_016580.4 (MANE Select); coding-DNA position 782, C replaced by T.
Protein change: p.Thr261Met; replaces threonine 261 with methionine.
Molecular consequence: missense variant.
Genome position (GRCh38, 1-based): chr5:141,957,070, G>A on the plus strand (C>T on the coding strand, the complement: PCDH12 is on the minus strand). VCF-style: chr5-141957070-G-A. GRCh37 (hg19) VCF-style: chr5-141336635-G-A.
Other names: p.Thr261Met; short protein forms T261M.
Identifiers: ClinVar variation 708772 (VCV000708772.36), dbSNP rs151002555, ClinGen allele CA3484509.
Genomic context (GRCh38, chr5:141,957,070, plus strand): 5'-AACTCCACCTCCCCATTGGGGCCTTGGTCAGGGTCTGTGGCGGTCAGTTTTATGAGAAGC[G>A]TACCAGGTGCAGCATCTTCTTGGATTTCCAGTGCCAGTGAACTCTCAGCAAACGCAGGGC-3'
Protein context (NP_057664.1, residues 251-271): LEIQEDAAPG[Thr261Met]LLIKLTATDP

ClinVar aggregate classification (germline): Benign/Likely benign. Review status: criteria provided, multiple submitters, no conflicts (2 of 4 stars). 4 submissions from 4 submitters: Benign (1); Likely benign (3). Last evaluated 2026-06-01.

Allele frequency attached by ClinVar (database versions not stated): gnomAD 0.00375 and 0.00381; 1000 Genomes Project 0.00379; ESP Exome Variant Server 0.00392; ExAC 0.00409; gnomAD exomes 0.00426; TOPMed 0.00445; 1000 Genomes Project 30x 0.00453.
gnomAD v4.1: 8,664 of 1,614,136 alleles (0.54%); highest among the groups gnomAD compares: Non-Finnish European, 0.63%; 25 homozygotes.

Submissions (4):

CeGaT Center for Human Genetics Tuebingen
Classification: Likely benign. Last evaluated: 2026-06-01. Review status: criteria provided, single submitter. Criteria: CeGaT Center For Human Genetics Tuebingen Variant Classification Criteria Version 2. Collection method: clinical testing. Allele origin: germline. Affected: yes. Observed: 6 variant alleles.
Comment: PCDH12: BP4, BS2

Labcorp Genetics (formerly Invitae), Labcorp
Classification: Likely benign. Last evaluated: 2026-01-26. Review status: criteria provided, single submitter. Criteria: Invitae Variant Classification Sherloc (09022015). Collection method: clinical testing. Allele origin: germline.

Mayo Clinic Laboratories, Mayo Clinic
Classification: Benign. Last evaluated: 2024-07-19. Review status: criteria provided, single submitter. Criteria: ACMG Guidelines, 2015. Collection method: clinical testing. Allele origin: germline. Observed: 3 variant alleles.
Comment: BS1, BS2

Breakthrough Genomics
Classification: Likely benign. Review status: criteria provided, single submitter. Criteria: ACMG Guidelines, 2015. Collection method: not provided. Allele origin: germline. Inheritance: Autosomal recessive inheritance. Affected: yes.